The following is an entry in ClinVar:

NM_000168.6(GLI3):c.*1691C>T

Gene: GLI3 (GLI family zinc finger 3; minus strand). Cytogenetic location: 7p14.1.
Variant type: single nucleotide variant.
Coding change: c.*1691C>T on transcript NM_000168.6 (MANE Select); 1691 bases downstream of the stop codon, C replaced by T.
Molecular consequence: 3 prime UTR variant.
Genome position (GRCh38, 1-based): chr7:41,962,639, G>A on the plus strand (C>T on the coding strand, the complement: GLI3 is on the minus strand). VCF-style: chr7-41962639-G-A. GRCh37 (hg19) VCF-style: chr7-42002237-G-A.
Identifiers: ClinVar variation 360182 (VCV000360182.5), dbSNP rs181261768, ClinGen allele CA10623968.

ClinVar aggregate classification (germline): Benign. Review status: criteria provided, single submitter (1 of 4 stars). 3 submissions from 1 submitter: Benign (3). Last evaluated 2018-01-12.

Conditions:
Pallister-Hall syndrome (PHS). Also called: HYPOTHALAMIC HAMARTOBLASTOMA, HYPOPITUITARISM, IMPERFORATE ANUS, AND POSTAXIAL POLYDACTYLY; GLI3-Related Pallister-Hall Syndrome. Identifiers: Orphanet 672, MedGen C0265220, MONDO:0007804, OMIM 146510.
Greig cephalopolysyndactyly syndrome (GCPS). Also called: POLYSYNDACTYLY WITH PECULIAR SKULL SHAPE; Greig syndrome; GLI3-Related Greig Cephalopolysyndactyly Syndrome. Identifiers: Orphanet 380, MedGen C0265306, MONDO:0008287, OMIM 175700.
Polydactyly. Also called: polydactylism. Identifiers: MedGen C0152427, MONDO:0021003, OMIM 603596, HP:0010442.

Allele frequency attached by ClinVar (database versions not stated): gnomAD 0.00174 and 0.00176; TOPMed 0.00180; 1000 Genomes Project 0.00300; 1000 Genomes Project 30x 0.00390.

Submissions (3):

Illumina Laboratory Services, Illumina
Classification: Benign for Pallister-Hall syndrome. Last evaluated: 2018-01-12. Review status: criteria provided, single submitter. Criteria: ICSL Variant Classification Criteria 13 December 2019. Collection method: clinical testing. Allele origin: germline.
Comment: This variant was observed in the ICSL laboratory as part of a predisposition screen in an ostensibly healthy population. It had not been previously curated by ICSL or reported in the Human Gene Mutation Database (HGMD: prior to June 1st, 2018), and was therefore a candidate for classification through an automated scoring system. Utilizing variant allele frequency, disease prevalence and penetrance estimates, and inheritance mode, an automated score was calculated to assess if this variant is too frequent to cause the disease. Based on the score and internal cut-off values, a variant classified as benign is not then subjected to further curation. The score for this variant resulted in a classification of benign for this disease.

Illumina Laboratory Services, Illumina
Classification: Benign for Polydactyly. Last evaluated: 2018-01-12. Review status: criteria provided, single submitter. Criteria: ICSL Variant Classification Criteria 13 December 2019. Collection method: clinical testing. Allele origin: germline.
Comment: the same text as in the submission from Illumina Laboratory Services, Illumina above.

Illumina Laboratory Services, Illumina
Classification: Benign for Greig cephalopolysyndactyly syndrome. Last evaluated: 2018-01-12. Review status: criteria provided, single submitter. Criteria: ICSL Variant Classification Criteria 13 December 2019. Collection method: clinical testing. Allele origin: germline.
Comment: the same text as in the submission from Illumina Laboratory Services, Illumina above.